The following is an entry in ClinVar:

NM_001009944.3(PKD1):c.1571C>T (p.Ala524Val)

Gene: PKD1 (polycystin 1, transient receptor potential channel interacting; minus strand). Cytogenetic location: 16p13.3.
Variant type: single nucleotide variant.
Coding change: c.1571C>T on transcript NM_001009944.3 (MANE Select); coding-DNA position 1571, C replaced by T.
Protein change: p.Ala524Val; replaces alanine 524 with valine.
Molecular consequence: missense variant.
Genome position (GRCh38, 1-based): chr16:2,116,868, G>A on the plus strand (C>T on the coding strand, the complement: PKD1 is on the minus strand). VCF-style: chr16-2116868-G-A. GRCh37 (hg19) VCF-style: chr16-2166869-G-A.
Other names: p.Ala524Val; c.1571C>T, p.Ala524Val (NM_000296.4); short protein forms A524V.
Identifiers: ClinVar variation 2239681 (VCV002239681.4), dbSNP rs1474279745, ClinGen allele CA394391724.

ClinVar aggregate classification (germline): Uncertain significance. Review status: criteria provided, multiple submitters, no conflicts (2 of 4 stars). 3 submissions from 3 submitters: Uncertain significance (3). Last evaluated 2026-03-20.

Conditions:
PKD1-related disorder. Also called: PKD1-related condition.
Inborn genetic diseases. Identifiers: MedGen C0950123, MeSH D030342.

Allele frequency attached by ClinVar (database versions not stated): gnomAD 0.00001; gnomAD exomes 0.00001; TOPMed 0.00001.
gnomAD v4.1: 11 of 1,531,446 alleles (0.00072%); highest among the groups gnomAD compares: African/African-American, 0.0027%; no homozygotes.

Submissions (3):

PreventionGenetics, part of Exact Sciences
Classification: Uncertain significance for PKD1-related condition. Last evaluated: 2026-03-20. Review status: criteria provided, single submitter. Criteria: ACMG Guidelines, 2015. Collection method: clinical testing. Allele origin: germline.
Comment: The PKD1 c.1571C>T variant is predicted to result in the amino acid substitution p.Ala524Val. To our knowledge, this variant has not been reported in the literature. This variant is reported in 0.0082% of alleles in individuals of East Asian descent in gnomAD. At this time, the clinical significance of this variant is uncertain due to the absence of conclusive functional and genetic evidence.

Mayo Clinic Laboratories, Mayo Clinic
Classification: Uncertain significance. Last evaluated: 2025-05-01. Review status: criteria provided, single submitter. Criteria: ACMG Guidelines, 2015. Collection method: clinical testing. Allele origin: germline. Observed: 2 variant alleles.
Comment: BP4_moderate

Ambry Genetics
Classification: Uncertain significance for Inborn genetic diseases. Last evaluated: 2021-07-27. Review status: criteria provided, single submitter. Criteria: Ambry Variant Classification Scheme 2023. Collection method: clinical testing. Allele origin: germline.